The following is an entry in ClinVar:

NM_001042492.3(NF1):c.8395G>A (p.Val2799Ile)

Gene: NF1 (neurofibromin 1; plus strand). Cytogenetic location: 17q11.2.
Variant type: single nucleotide variant.
Coding change: c.8395G>A on transcript NM_001042492.3 (MANE Select); coding-DNA position 8395, G replaced by A.
Protein change: p.Val2799Ile; replaces valine 2799 with isoleucine.
Molecular consequence: missense variant.
Genome position (GRCh38, 1-based): chr17:31,374,030, G>A. VCF-style: chr17-31374030-G-A. GRCh37 (hg19) VCF-style: chr17-29701048-G-A.
Other names: c.8332G>A, p.Val2778Ile (NM_000267.4); short protein forms V2778I, V2799I.
Identifiers: ClinVar variation 184462 (VCV000184462.26), dbSNP rs377393842, ClinGen allele CA189036.
Genomic context (GRCh38, chr17:31,374,030, plus strand): 5'-GGAAGGAAAAGAAGAAGTAACTGGCTGTTCTCTTTTTCTCCAGGAATCGACAAGGAGAAC[G>A]TTGAACTCTCCCCTACCACTGGCCACTGTAACAGTGGACGAACTCGCCACGGATCCGCAA-3'
Protein context (NP_001035957.1, residues 2789-2809): QHSPGIDKEN[Val2799Ile]ELSPTTGHCN

ClinVar aggregate classification (germline): Conflicting classifications of pathogenicity. Review status: criteria provided, conflicting classifications (1 of 4 stars). 9 submissions from 8 submitters: Uncertain significance (1); Benign (2); Likely benign (6). Last evaluated 2026-06-04.

Conditions:
NF1-related disorder. Also called: NF1-related condition. Identifiers: MedGen CN379171.
Cardiovascular phenotype. Identifiers: MedGen CN230736.
Hereditary cancer-predisposing syndrome. Also called: Neoplastic Syndromes, Hereditary; Tumor predisposition; Hereditary neoplastic syndrome; Hereditary Cancer Syndrome. Identifiers: Orphanet 140162, MedGen C0027672, MeSH D009386, MONDO:0015356.
Neurofibromatosis, type 1 (NF1). Also called: VON RECKLINGHAUSEN DISEASE; Peripheral type neurofibromatosis; Neurofibromatosis, type I; NEUROFIBROMATOSIS, TYPE I, SOMATIC. Identifiers: Orphanet 636, MedGen C0027831, MONDO:0018975, OMIM 162200. Disease mechanism: loss of function.

Allele frequency attached by ClinVar (database versions not stated): gnomAD exomes 0.00003 and 0.00009; gnomAD 0.00006; ExAC 0.00007; ESP Exome Variant Server 0.00008; TOPMed 0.00010.
gnomAD v4.1: 61 of 1,613,936 alleles (0.0038%); highest among the groups gnomAD compares: Middle Eastern, 0.016%; no homozygotes.

Submissions (9):

Women's Health and Genetics/Laboratory Corporation of America, LabCorp
Classification: Likely benign. Last evaluated: 2026-06-04. Review status: criteria provided, single submitter. Criteria: LabCorp Variant Classification Summary - May 2015. Collection method: clinical testing. Allele origin: germline.
Comment: Variant summary: NF1 c.8332G>A (p.Val2778Ile) results in a conservative amino acid change in the encoded protein sequence. Algorithms developed to predict the effect of missense changes on protein structure and function are either unavailable or do not agree on the potential impact of this missense change. The variant allele was found at a frequency of 3.8e-05 in 1613936 control chromosomes, predominantly at a frequency of 0.00095 within the Ashkenazi Jewish subpopulation in the gnomAD database. The observed variant frequency within Ashkenazi Jewish control individuals in the gnomAD database exceeds the estimated maximal expected allele frequency for disease-causing variants in NF1. c.8332G>A has been reported in the literature in individuals affected with Neurofibromatosis Type 1 and breast cancer, without strong evidence for causality (Melloni_2019, Guindalini_2022). These reports do not provide unequivocal conclusions about association of the variant with Neurofibromatosis Type 1. To our knowledge, no experimental evidence demonstrating an impact on protein function has been reported. The following publications have been ascertained in the context of this evaluation (PMID: 35264596, 31766501). ClinVar contains an entry for this variant (Variation ID: 184462). Based on the evidence outlined above, the variant was classified as likely benign.

Labcorp Genetics (formerly Invitae), Labcorp
Classification: Likely benign for Neurofibromatosis, type 1. Last evaluated: 2026-02-02. Review status: criteria provided, single submitter. Criteria: Invitae Variant Classification Sherloc (09022015). Collection method: clinical testing. Allele origin: germline.

PreventionGenetics, part of Exact Sciences
Classification: Likely benign for NF1-related condition. Last evaluated: 2025-12-24. Review status: criteria provided, single submitter. Criteria: ACMG Guidelines, 2015. Collection method: clinical testing. Allele origin: germline.
Comment: This variant is classified as likely benign based on ACMG/AMP sequence variant interpretation guidelines (Richards et al. 2015 PMID: 25741868, with internal and published modifications).

Mendelics
Classification: Benign for Neurofibromatosis, type 1. Last evaluated: 2023-08-22. Review status: criteria provided, single submitter. Criteria: Mendelics Assertion Criteria 2019. Collection method: clinical testing. Allele origin: germline.

Ambry Genetics
Classification: Benign for Cardiovascular phenotype; Hereditary cancer-predisposing syndrome. Last evaluated: 2022-07-15. Review status: criteria provided, single submitter. Criteria: Ambry Variant Classification Scheme 2023. Collection method: clinical testing. Allele origin: germline.

Genetic Services Laboratory, University of Chicago
Classification: Likely benign. Last evaluated: 2021-06-18. Review status: criteria provided, single submitter. Criteria: ACMG Guidelines, 2015. Collection method: clinical testing. Allele origin: germline. Affected: no.

Sema4
Classification: Likely benign for Hereditary cancer-predisposing syndrome. Last evaluated: 2021-06-09. Review status: criteria provided, single submitter. Criteria: Sema4 Curation Guidelines. Collection method: curation. Allele origin: germline.

GeneDx
Classification: Likely benign. Last evaluated: 2019-06-04. Review status: criteria provided, single submitter. Criteria: GeneDx Variant Classification Process June 2021. Collection method: clinical testing. Allele origin: germline. Affected: yes.
Comment: This variant is associated with the following publications: (PMID: 31766501)

Ambry Genetics
Classification: Uncertain significance for Hereditary cancer-predisposing syndrome. Last evaluated: 2015-09-24. Review status: criteria provided, single submitter. Criteria: Ambry Autosomal Dominant and X-Linked criteria (10/2015). Collection method: clinical testing. Allele origin: germline. Observed: 1 variant allele.
Comment: The p.V2799I variant (also known as c.8395G>A), located in coding exon 58 of the NF1 gene, results from a G to A substitution at nucleotide position 8395. The valine at codon 2799 is replaced by isoleucine, an amino acid with highly similar properties. This variant was previously reported in the SNPDatabase as rs377393842. Based on data from the NHLBI Exome Sequencing Project (ESP), the A allele has an overall frequency of approximately 0.01% (1/13006) total alleles studied, having been observed in0.01% (1/8600) European American alleles. This variant was not reported in the 1000 Genomes Project population-based cohort. To date, this alteration has been detected with an allele frequency of approximately 0.012% (greater than 110000 alleles tested) in our clinical cohort. Based on protein sequence alignment, this amino acid position is highly conserved in available vertebrate species. In addition, this alteration is predicted to be possibly damaging andtolerated by PolyPhen and SIFT in silico analyses, respectively. Since supporting evidence is limited at this time, the clinical significance of this alteration remains unclear.

Literature cited by the submitters: PubMed 10678181 (cited by Women's Health and Genetics/Laboratory Corporation of America, LabCorp); PubMed 23460398 (cited by Women's Health and Genetics/Laboratory Corporation of America, LabCorp); PubMed 29872168 (cited by Women's Health and Genetics/Laboratory Corporation of America, LabCorp); PubMed 35264596 (cited by Women's Health and Genetics/Laboratory Corporation of America, LabCorp); PubMed 31766501 (cited by Women's Health and Genetics/Laboratory Corporation of America, LabCorp); PubMed 27069254 (cited by Women's Health and Genetics/Laboratory Corporation of America, LabCorp).